The following is an entry in ClinVar:

ClinVar aggregate classification (germline): Pathogenic (1 of 4 stars; one submission).

Conditions:
Familial adenomatous polyposis 1 (FAP1). Also called: FAMILIAL ADENOMATOUS POLYPOSIS 1, ATTENUATED; POLYPOSIS, ADENOMATOUS INTESTINAL. Identifiers: MedGen C2713442, MONDO:0021056, OMIM 175100. Disease mechanism: loss of function.

Submission:

Myriad Genetics, Inc.
Classification: Pathogenic for Familial adenomatous polyposis 1. Last evaluated: 2023-05-09. Review status: criteria provided, single submitter. Criteria: Myriad Autosomal Dominant, Autosomal Recessive and X-Linked Classification Criteria (2023). Collection method: clinical testing. Allele origin: unknown.
Comment: This variant is considered pathogenic. This variant creates a frameshift predicted to result in premature protein truncation.

NM_000038.6(APC):c.3617del (p.Ser1206fs)

Gene: APC (APC regulator of Wnt signaling pathway; plus strand). Cytogenetic location: 5q22.2.
Variant type: Deletion.
Coding change: c.3617del on transcript NM_000038.6 (MANE Select); coding-DNA position 3617, one base deleted (G; older notation c.3617delG).
Protein change: p.Ser1206fs; shifts the reading frame from serine 1206.
Molecular consequence: frameshift variant. On other transcripts: non-coding transcript variant (2).
Genome position (GRCh38, 1-based): chr5:112,839,211, G deleted. VCF-style (leftmost placement, unchanged base first): chr5-112839210-AG-A. GRCh37 (hg19) VCF-style: chr5-112174907-AG-A.
Other names: c.3617del, p.Ser1206fs (NM_001127510.3, NM_001354895.2, NM_001407450.1); c.3563del, p.Ser1188fs (NM_001127511.3); c.3671del, p.Ser1224fs (NM_001354896.2, NM_001407447.1, NM_001407448.1 and 1 more transcripts); c.3647del, p.Ser1216fs (NM_001354897.2); c.3542del, p.Ser1181fs (NM_001354898.2); c.3533del, p.Ser1178fs (NM_001354899.2); c.3494del, p.Ser1165fs (NM_001354900.2); c.3440del, p.Ser1147fs (NM_001354901.2, NM_001407453.1); and 11 more; short protein forms S1046fs, S1077fs, S1080fs, S1105fs, S1115fs, S1123fs, S1147fs, S1165fs.
Identifiers: ClinVar variation 2583988 (VCV002583988.1), dbSNP rs2533511844, ClinGen allele CA2582341525.